The following is an entry in ClinVar:

ClinVar aggregate classification (germline): Uncertain significance (1 of 4 stars; one submission).

Submission:

Labcorp Genetics (formerly Invitae), Labcorp
Classification: Uncertain significance. Last evaluated: 2021-10-11. Review status: criteria provided, single submitter. Criteria: Invitae Variant Classification Sherloc (09022015). Collection method: clinical testing. Allele origin: germline.
Comment: In summary, the available evidence is currently insufficient to determine the role of this variant in disease. Therefore, it has been classified as a Variant of Uncertain Significance. Algorithms developed to predict the effect of missense changes on protein structure and function output the following: SIFT: "Tolerated"; PolyPhen-2: "Benign"; Align-GVGD: "Class C0". The arginine amino acid residue is found in multiple mammalian species, which suggests that this missense change does not adversely affect protein function. This missense change has been observed in individual(s) with autosomal dominant retinitis pigmentosa (Invitae). This variant is not present in population databases (ExAC no frequency). This sequence change replaces serine with arginine at codon 538 of the RP1 protein (p.Ser538Arg). The serine residue is weakly conserved and there is a moderate physicochemical difference between serine and arginine.

NM_006269.2(RP1):c.1612A>C (p.Ser538Arg)

Gene: RP1 (RP1 axonemal microtubule associated; plus strand). Cytogenetic location: 8q12.1.
Variant type: single nucleotide variant.
Coding change: c.1612A>C on transcript NM_006269.2 (MANE Select); coding-DNA position 1612, A replaced by C.
Protein change: p.Ser538Arg; replaces serine 538 with arginine.
Molecular consequence: missense variant. On other transcripts: intron variant (1).
Genome position (GRCh38, 1-based): chr8:54,625,494, A>C. VCF-style: chr8-54625494-A-C. GRCh37 (hg19) VCF-style: chr8-55538054-A-C.
Other names: c.787+3206A>C (NM_001375654.1); short protein forms S538R.
Identifiers: ClinVar variation 1485964 (VCV001485964.6), dbSNP rs757568473, ClinGen allele CA370990983.